The following is an entry in ClinVar:

NM_007294.4(BRCA1):c.5391A>G (p.Ser1797=)

Gene: BRCA1 (BRCA1 DNA repair associated; minus strand). Cytogenetic location: 17q21.31.
Variant type: single nucleotide variant.
Coding change: c.5391A>G on transcript NM_007294.4 (MANE Select); coding-DNA position 5391, A replaced by G.
Protein change: p.Ser1797=; no amino-acid change (serine 1797 retained).
Molecular consequence: synonymous variant. On other transcripts: intron variant (19).
Genome position (GRCh38, 1-based): chr17:43,049,136, T>C on the plus strand (A>G on the coding strand, the complement: BRCA1 is on the minus strand). VCF-style: chr17-43049136-T-C. GRCh37 (hg19) VCF-style: chr17-41201153-T-C.
Other names: c.5178A>G, p.Ser1726= (NM_001407571.1, NM_001407894.1, NM_001407895.1 and 12 more transcripts); c.5457A>G, p.Ser1819= (NM_001407581.1, NM_001407582.1); c.1872A>G, p.Ser624= (NM_001408478.1, NM_001408479.1, NM_001408480.1); c.5454A>G, p.Ser1818= (NM_001407583.1, NM_001407585.1, NM_001407587.1 and 1 more transcripts); c.5451A>G, p.Ser1817= (NM_001407590.1, NM_001407591.1); c.1869A>G, p.Ser623= (NM_001408481.1, NM_001408482.1, NM_001408483.1 and 5 more transcripts); c.5391A>G, p.Ser1797= (NM_001407593.1, NM_001407594.1, NM_001407596.1 and 5 more transcripts); c.1866A>G, p.Ser622= (NM_001408492.1, NM_001408493.1); and 84 more.
Identifiers: ClinVar variation 865690 (VCV000865690.3), dbSNP rs2051076774, ClinGen allele CA500143284.

Conditions:
Breast-ovarian cancer, familial, susceptibility to, 1 (BROVCA1). Also called: BRCA1 Hereditary Breast and Ovarian Cancer; OVARIAN CANCER, SUSCEPTIBILITY TO. Identifiers: Orphanet 145, MedGen C2676676, MONDO:0011450, OMIM 604370. Disease mechanism: loss of function.

Submission:

Brotman Baty Institute, University of Washington
No classification provided (evidence only). Condition: Breast-ovarian cancer, familial 1. Review status: no classification provided. Collection method: in vitro. Allele origin: not applicable. Functional consequence: functionally_normal.
ClinVar note: "not provided" was previously submitted as the classification for the variant. However, the classification appeared to be based only on an observation of functional data so it was converted to no classification on 2025-07-30.